The following is an entry in ClinVar:

NM_001267550.2(TTN):c.6555_6556insTGTAAGGAAACAGACA (p.Lys2186fs)

Gene: TTN (titin; minus strand). Cytogenetic location: 2q31.2.
Variant type: Insertion.
Coding change: c.6555_6556insTGTAAGGAAACAGACA on transcript NM_001267550.2 (MANE Select); coding-DNA positions 6555 to 6556, TGTAAGGAAACAGACA inserted.
Protein change: p.Lys2186fs; shifts the reading frame from lysine 2186.
Molecular consequence: frameshift variant.
Genome position: GRCh38 VCF-style: chr2-178775155-T-TTGTCTGTTTCCTTACA. GRCh37 (hg19) VCF-style: chr2-179639882-T-TTGTCTGTTTCCTTACA.
Other names: c.6555_6556insTGTAAGGAAACAGACA (NM_001267550.1); c.6555_6556insTGTAAGGAAACAGACA, p.Lys2186fs (NM_001256850.1, NM_133378.4, NM_133379.5); c.6417_6418insTGTAAGGAAACAGACA, p.Lys2140fs (NM_003319.4, NM_133432.3, NM_133437.4); short protein forms K2140fs, K2186fs.
Identifiers: ClinVar variation 130679 (VCV000130679.24), dbSNP rs587780494, ClinGen allele CA269798.
Genomic context (GRCh38, chr2:178,775,155, plus strand): 5'-TCACTTTGACAAATGGTTCTGAAGTTTCACATTCAAAGGTTGCCATAGTGTCTTTTTCCT[T>TTGTCTGTTTCCTTACA]AGCAACAACATCTTGTAATTCCTGTGTGAAAGTGATCAATTGCTTGGCTACAAGAAAAAG-3'

ClinVar aggregate classification (germline): Conflicting classifications of pathogenicity. Review status: criteria provided, conflicting classifications (1 of 4 stars). 9 submissions from 9 submitters: Pathogenic (2); Likely pathogenic (5); Uncertain significance (2). Last evaluated 2026-09-03.

Conditions:
Dilated cardiomyopathy 1G (CMD1G). Identifiers: Orphanet 154, MedGen C1858763, MONDO:0011400, OMIM 604145.
Autosomal recessive limb-girdle muscular dystrophy type 2J (LGMDR10). Also called: Limb-girdle muscular dystrophy, type 2J; MUSCULAR DYSTROPHY, LIMB-GIRDLE, AUTOSOMAL RECESSIVE 10. Identifiers: Orphanet 140922, MedGen C1837342, MONDO:0012127, OMIM 608807.
Cardiovascular phenotype. Identifiers: MedGen CN230736.
TTN-related disorder. Also called: TTN-related disorders; TTN-related condition; TTN-related disease.
Tibial muscular dystrophy (TMD). Also called: UDD MYOPATHY; Udd Distal Myopathy – Tibial Muscular Dystrophy; Tibial muscular dystrophy, tardive. Identifiers: Orphanet 609, MedGen C1838244, MONDO:0010870, OMIM 600334.

Allele frequency attached by ClinVar (database versions not stated): gnomAD exomes 0.00001 and 0.00002; ExAC 0.00002; TOPMed 0.00002; gnomAD 0.00003.

Submissions (9):

PreventionGenetics, part of Exact Sciences
Classification: Likely pathogenic for TTN-related condition. Last evaluated: 2026-09-03. Review status: criteria provided, single submitter. Criteria: ACMG Guidelines, 2015. Collection method: clinical testing. Allele origin: germline.
Comment: The TTN c.6555_6556insTGTAAGGAAACAGACA variant is predicted to result in a frameshift and premature protein termination (p.Lys2186Cysfs*15). This variant has been reported in multiple individuals with early-onset atrial fibrillation (Supplemental eTable 5, Choi et al. 2018. PubMed ID: 30535219; Supplemental eTable 3, Yoneda et al. 2021. PubMed ID: 34495297). This variant is reported in 0.0054% of alleles in individuals of European (Non-Finnish) descent in gnomAD. This variant is located in the TTN protein I-band region. RNAseq studies from heart tissue indicate this exon is commonly included in TTN mRNA transcripts (PSI of 100%, Roberts et al. 2015. PubMed ID: 25589632). TTN loss-of-function variants occurring in constitutively expressed exons (PSI > 90%) are more likely to be disease causing for TTN cardiac-related disorders regardless of band location (Roberts et al. 2015. PubMed ID: 25589632; Schafer et al. 2017 PubMed ID: 27869827; Akhtar et al. 2020. PubMed ID: 32964742). Many cases of recessive TTN-related myopathies in which the individual is compound heterozygous for two loss-of-function variants in TTN have also been reported (Ge et al. 2019. PubMed ID: 31053406; Oates et al. 2018. PubMed ID: 29691892; Rees et al. 2021. PubMed ID: 33449170). In summary, this variant is categorized as likely pathogenic. Of note, this variant is considered likely pathogenic for increased risk of TTN-related cardiac disorders, and also for autosomal recessive TTN-related congenital titinopathies.

GeneDx
Classification: Likely pathogenic. Last evaluated: 2026-08-10. Review status: criteria provided, single submitter. Criteria: GeneDx Variant Classification Process June 2021. Collection method: clinical testing. Allele origin: germline.
Comment: Located in a specific region of the I-band within TTN for which truncating variants are significantly associated with autosomal dominant cardiomyopathy and also with autosomal recessive skeletal myopathies (PMID: 27625338, 27869827, 32778822); Reported in patients with early-onset atrial fibrillation (PMID: 30535219, 34495297); This variant is associated with the following publications: (PMID: 34495297, 27625338, 27869827, 32778822, 30535219)

Variantyx, Inc.
Classification: Pathogenic for Dilated cardiomyopathy 1G. Last evaluated: 2026-01-07. Review status: criteria provided, single submitter. Criteria: Variantyx Assertion Criteria 2022. Collection method: clinical testing. Allele origin: germline. Inheritance: Autosomal dominant inheritance. Affected: yes.
Comment: This is a frameshift variant in the TTN gene (OMIM: 188840). Pathogenic variants in this gene have been associated with autosomal dominant dilated cardiomyopathy 1G. The alteration introduces a premature termination codon in exon 29 out of 363, located in the I-band region of titin (PSI 100%) and is expected to result in loss of function, which is a known disease mechanism for TTN in this disorder (30535219)(PVS1). This variant has been reported in at least three unrelated affected individuals (PMID: 34495297, 30535219) (PS4_Moderate). It has a 0.0027% maximum allele frequency in non-founder control populations (PM2). Based on the current evidence, this variant is classified as pathogenic for autosomal dominant dilated cardiomyopathy 1G.

Ambry Genetics
Classification: Likely pathogenic for Cardiovascular phenotype. Last evaluated: 2025-10-14. Review status: criteria provided, single submitter. Criteria: Ambry Variant Classification Scheme 2023. Collection method: clinical testing. Allele origin: germline.
Comment: The c.6417_6418insTGTAAGGAAACAGACA (p.K2140Cfs*15) alteration, located in exon 28 (coding exon 27) of the TTN gene, consists of an insertion of TGTAAGGAAACAGACA at position 6417, causing a translational frameshift with a predicted alternate stop codon after 15 amino acids. This variant is expected to result in loss of function by premature protein truncation or nonsense-mediated mRNA decay. Based on data from gnomAD, the insTGTAAGGAAACAGACA allele has an overall frequency of 0.003% (8/282064) total alleles studied. The highest observed frequency was 0.005% (7/128580) of European (non-Finnish) alleles. This variant (referred to as p.Lys2186fs) has been detected in an early-onset atrial fibrillation cohort (Choi, 2018), and has been detected in individuals with features consistent with dilated cardiomyopathy (Ambry internal data). This exon is located in the I-band region of the N2-B isoform of the titin protein and is constitutively expressed in TTN transcripts (percent spliced in or PSI 100%). While truncating variants in TTN are present in 1-3% of the general population, truncating variants in the A-band are the most common cause of dilated cardiomyopathy (Herman, 2012; Roberts, 2015). TTN truncating variants encoded in constitutive exons (PSI >90%) have been found to be significantly associated with DCM regardless of their position in titin (Schafer, 2017; Akhtar, 2020; Massier, 2025). Based on the available evidence, this alteration is classified as likely pathogenic.

Illumina Laboratory Services, Illumina
Classification: Likely pathogenic for Dilated cardiomyopathy 1G. Last evaluated: 2023-07-11. Review status: criteria provided, single submitter. Criteria: ICSLVariantClassificationCriteria RUGD 01 April 2020. Collection method: clinical testing. Allele origin: unknown.
Comment: The TTN c.6555_6556insTGTAAGGAAACAGACA (p.Lys2186CysfsTer15) variant causes a shift in the protein reading frame that is predicted to result in premature termination of the protein. Loss of normal protein function through either protein truncation or nonsense-mediated mRNA decay is expected. This variant is located in exon 29 of the meta transcript of titin within the I-band, which is highly expressed in cardiac tissue (PMID: 25589632). In a meta-analysis of TTN truncating variants in DCM patients and controls, variants in this region were associated with a significantly increased risk of developing DCM (odds ratio = 19.0) (PMID: 27869827). This variant is reported in the Genome Aggregation Database in seven alleles at a frequency of 0.000054 in the European (non-Finnish) population (version 2.1.1). Based on the available evidence, the c.6555_6556insTGTAAGGAAACAGACA (p.Lys2186CysfsTer15) variant is classified as likely pathogenic for dilated cardiomyopathy.

AiLife Diagnostics
Classification: Likely pathogenic. Last evaluated: 2021-10-06. Review status: criteria provided, single submitter. Criteria: ACMG Guidelines, 2015. Collection method: clinical testing. Allele origin: germline. Affected: yes. Observed: 1 variant allele.

Labcorp Genetics (formerly Invitae), Labcorp
Classification: Uncertain significance for Dilated cardiomyopathy 1G; Limb-girdle muscular dystrophy, type 2J. Last evaluated: 2018-12-02. Review status: criteria provided, single submitter. Criteria: Invitae Variant Classification Sherloc (09022015). Collection method: clinical testing. Allele origin: germline.
Comment: This sequence change results in a premature translational stop signal in the TTN gene (p.Lys2186Cysfs*15).Â¬â€ While this is not anticipated to result in nonsense mediated decay, it is expected to create a truncated TTN protein. The frequency data for this variant in the population databases is considered unreliable, as metrics indicate poor data quality at this position in the ExAC database. This variant has been observed to segregate with dilated cardiomyopathyÂ¬â€ in a family (Invitae).Â¬â€ ClinVar contains an entry for this variant (Variation ID: 130679). This variant is located in the I band of TTN (PMID: 25589632). Truncating variants in this region have been shown to be highly prevalent in the general population and unaffected individuals (PMID: 26701604, 22335739). However, truncating variants in this region have also been reported in individuals affected with autosomal recessive centronuclear myopathy (PMID: 23975875). In summary, the available evidence is currently insufficient to determine the role of this variant in disease. Therefore, it has been classified as a Variant of Uncertain Significance.

Eurofins Ntd Llc (ga)
Classification: Uncertain significance. Last evaluated: 2016-03-10. Review status: criteria provided, single submitter. Criteria: EGL Classification Definitions 2015. Collection method: clinical testing. Allele origin: germline. Observed: 1 variant allele.

Genetic Services Laboratory, University of Chicago
Classification: Pathogenic for Tibial muscular dystrophy, tardive. Last evaluated: 2013-09-30. Review status: criteria provided, single submitter. Criteria: ACMG Guidelines, 2007. Collection method: clinical testing. Allele origin: germline. Affected: yes.

Literature cited by the submitters: PubMed 34495297 (cited by Variantyx, Inc.); PubMed 30535219 (cited by 3 submitters); PubMed 22335739 (cited by Ambry Genetics and Labcorp Genetics (formerly Invitae), Labcorp); PubMed 25589632 (cited by Ambry Genetics and Labcorp Genetics (formerly Invitae), Labcorp); PubMed 27869827 (cited by Ambry Genetics); PubMed 32964742 (cited by Ambry Genetics); PubMed 39844436 (cited by Ambry Genetics); PubMed 26701604 (cited by Labcorp Genetics (formerly Invitae), Labcorp); PubMed 23975875 (cited by Labcorp Genetics (formerly Invitae), Labcorp).